The following is an entry in ClinVar:

ClinVar aggregate classification (germline): Uncertain significance (3 of 4 stars; one submission).

Conditions:
Creatine transporter deficiency (CCDS1). Also called: CEREBRAL CREATINE DEFICIENCY SYNDROME 1; Mental retardation , X-linked with seizures, short stature and midface hypoplasia; Mental retardation , X-linked, with creatine transport deficiency; X-linked creatine transporter deficiency; X-linked creatine deficiency syndrome; SLC6A8-Related Creatine Transporter Deficiency. Identifiers: Orphanet 52503, MedGen C1845862, MONDO:0010305, OMIM 300352.

Submission:

ClinGen Cerebral Creatine Deficiency Syndromes Variant Curation Expert Panel, ClinGen
Classification: Uncertain significance for Creatine transporter deficiency. Last evaluated: 2023-08-08. Review status: reviewed by expert panel. Criteria: ClinGen_CCDS_ACMG_Specifications_SLC6A8_v1.1. Collection method: curation. Allele origin: germline. Inheritance: X-linked inheritance.
Comment: The NM_005629.4(SLC6A8):c.1016+21_1017-42del variant in SLC6A8 is an intronic deletion of 34 nucleotides within intron 6/12. This variant is also referred to as c.1016+11_1017-52del in literature based on genome build GRCh36. This variant is absent from gnomAD v3.1.2, therefore PM2_Supporting criteria is applicable. The computational predictor SpliceAI gives delta scores of 0.07 (donor loss, -10bp) and acceptor loss 0.01 (acceptor loss, -49bp) which is not highly suggestive of a splicing defect. In summary, this variant meets the criteria to be classified as a Variant of Uncertain Significance for Creatine Transporter Deficiency based on the ACMG/AMP criteria applied, as specified by the ClinGen Cerebral Creatine Deficiency Syndromes Variant Curation Expert Panel (Specifications Version 1.1.0): PP4_Strong, PM2_Supporting. (Classification approved by the ClinGen CCDS VCEP on August 8, 2023)

NM_005629.4(SLC6A8):c.1016+21_1017-42del

Gene: SLC6A8 (solute carrier family 6 member 8; plus strand). Cytogenetic location: Xq28.
Variant type: Deletion.
Coding change: c.1016+21_1017-42del on transcript NM_005629.4 (MANE Select); 21 bases into the intron after coding-DNA position 1016 through 42 bases into the intron before coding-DNA position 1017, 34 bases deleted.
Molecular consequence: intron variant.
Genome position (GRCh38, 1-based): chrX:153,693,387-153,693,420, 34 bases deleted; deleting any 34 consecutive bases within chrX:153,693,377-153,693,420 gives the same sequence; the c. name uses the placement nearest the transcript's 3' end. GRCh37 (hg19): chrX:152,958,842-152,958,875.
Other names: NM_001142805.2:c.1016+21_1016+54del; c.1016+21_1016+54del (NM_001142805.2); c.671+21_672-42del (NM_001142806.1).
Identifiers: ClinVar variation 3256151 (VCV003256151.1).